The following is an entry in ClinVar:

ClinVar aggregate classification (germline): Uncertain significance. Review status: criteria provided, multiple submitters, no conflicts (2 of 4 stars). 2 submissions from 2 submitters: Uncertain significance (2). Last evaluated 2025-10-17.

Conditions:
Inborn genetic diseases. Identifiers: MedGen C0950123, MeSH D030342.
3-methylglutaconic aciduria, type VIIB (MGCA7B). Also called: 3-methylglutaconic aciduria with cataracts, neurologic involvement and neutropenia; 3-methylglutaconic aciduria, type VII, with cataracts, neurologic involvement and neutropenia; CLPB Deficiency. Identifiers: Orphanet 445038, MedGen C5676893, MONDO:0014561, OMIM 616271.

Allele frequency attached by ClinVar (database versions not stated): TOPMed 0.00002; ExAC 0.00006; gnomAD exomes 0.00007.
gnomAD v4.1: 13 of 1,614,058 alleles (0.00081%); highest among the groups gnomAD compares: East Asian, 0.029%; no homozygotes.

Submissions (2):

Labcorp Genetics (formerly Invitae), Labcorp
Classification: Uncertain significance for 3-methylglutaconic aciduria, type VIIB. Last evaluated: 2025-10-17. Review status: criteria provided, single submitter. Criteria: Invitae Variant Classification Sherloc (09022015). Collection method: clinical testing. Allele origin: germline.
Comment: This sequence change replaces lysine, which is basic and polar, with glutamic acid, which is acidic and polar, at codon 204 of the CLPB protein (p.Lys204Glu). This variant is present in population databases (rs538184539, gnomAD 0.09%). This variant has not been reported in the literature in individuals affected with CLPB-related conditions. ClinVar contains an entry for this variant (Variation ID: 1525932). An algorithm developed to predict the effect of missense changes on protein structure and function (PolyPhen-2) suggests that this variant is likely to be tolerated. In summary, the available evidence is currently insufficient to determine the role of this variant in disease. Therefore, it has been classified as a Variant of Uncertain Significance.

Ambry Genetics
Classification: Uncertain significance for Inborn genetic diseases. Last evaluated: 2023-02-28. Review status: criteria provided, single submitter. Criteria: Ambry Variant Classification Scheme 2023. Collection method: clinical testing. Allele origin: germline.

NM_001258392.3(CLPB):c.610A>G (p.Lys204Glu)

Gene: CLPB (ClpB family mitochondrial disaggregase; minus strand). Cytogenetic location: 11q13.4.
Variant type: single nucleotide variant.
Coding change: c.610A>G on transcript NM_001258392.3 (MANE Select); coding-DNA position 610, A replaced by G.
Protein change: p.Lys204Glu; replaces lysine 204 with glutamic acid.
Molecular consequence: missense variant.
Genome position (GRCh38, 1-based): chr11:72,380,317, T>C on the plus strand (A>G on the coding strand, the complement: CLPB is on the minus strand). VCF-style: chr11-72380317-T-C. GRCh37 (hg19) VCF-style: chr11-72091361-T-C.
Other names: c.610A>G (NM_030813.3); c.523A>G, p.Lys175Glu (NM_001258393.3); c.475A>G, p.Lys159Glu (NM_001258394.3); c.610A>G, p.Lys204Glu (NM_030813.6); short protein forms K159E, K175E, K204E.
Identifiers: ClinVar variation 1525932 (VCV001525932.9), dbSNP rs538184539, ClinGen allele CA6171509.
Genomic context (GRCh38, chr11:72,380,317, plus strand): 5'-AGAAGCAGGACAGCCCACACTTACCTTCCAAAGAATGGATTCCCTGTTCCTTGGCAGTCT[T>C]GTAAACACTGCTGAAATCATCTCCAAGGTTTGGATCAGCCCCAGCAGCAAGCAGGACCTG-3'
Protein context (NP_001245321.1, residues 194-214): NLGDDFSSVY[Lys204Glu]TAKEQGIHSL